The following is an entry in ClinVar:

NM_001378457.1(DMXL2):c.3140A>G (p.His1047Arg)

Gene: DMXL2 (Dmx like 2; minus strand). Cytogenetic location: 15q21.2.
Variant type: single nucleotide variant.
Coding change: c.3140A>G on transcript NM_001378457.1 (MANE Select); coding-DNA position 3140, A replaced by G.
Protein change: p.His1047Arg; replaces histidine 1047 with arginine.
Molecular consequence: missense variant. On other transcripts: non-coding transcript variant (2), intron variant (2).
Genome position (GRCh38, 1-based): chr15:51,500,084, T>C on the plus strand (A>G on the coding strand, the complement: DMXL2 is on the minus strand). VCF-style: chr15-51500084-T-C. GRCh37 (hg19) VCF-style: chr15-51792281-T-C.
Other names: c.3140A>G (NM_001174116.1); c.3140A>G, p.His1047Arg (NM_001174116.3, NM_001378458.1, NM_001378459.1 and 4 more transcripts); c.2900A>G, p.His967Arg (NM_001378464.1); c.2764+7050A>G (NM_001378460.1); c.2765-4950A>G (NM_001174117.3); short protein forms H1047R, H967R.
Identifiers: ClinVar variation 2188598 (VCV002188598.3), dbSNP rs1205039930, ClinGen allele CA392437570.

ClinVar aggregate classification (germline): Uncertain significance. Review status: criteria provided, multiple submitters, no conflicts (2 of 4 stars). 3 submissions from 3 submitters: Uncertain significance (3). Last evaluated 2026-09-09.

Conditions:
Inborn genetic diseases. Identifiers: MedGen C0950123, MeSH D030342.
DMXL2-related disorder. Also called: DMXL2-related condition.

Allele frequency attached by ClinVar (database versions not stated): gnomAD exomes below 0.00001; gnomAD 0.00001; TOPMed 0.00005.
gnomAD v4.1: 4 of 1,614,098 alleles (0.00025%); highest among the groups gnomAD compares: East Asian, 0.0022%; no homozygotes.

Submissions (3):

PreventionGenetics, part of Exact Sciences
Classification: Uncertain significance for DMXL2-related condition. Last evaluated: 2026-09-09. Review status: criteria provided, single submitter. Criteria: ACMG Guidelines, 2015. Collection method: clinical testing. Allele origin: germline.
Comment: The DMXL2 c.3140A>G variant is predicted to result in the amino acid substitution p.His1047Arg. To our knowledge, this variant has not been reported in the literature or in a large population database (gnomAD), indicating this variant is rare. At this time, the clinical significance of this variant is uncertain due to the absence of conclusive functional and genetic evidence.

Ambry Genetics
Classification: Uncertain significance for Inborn genetic diseases. Last evaluated: 2025-08-13. Review status: criteria provided, single submitter. Criteria: Ambry Variant Classification Scheme 2023. Collection method: clinical testing. Allele origin: germline.

Labcorp Genetics (formerly Invitae), Labcorp
Classification: Uncertain significance. Last evaluated: 2022-06-23. Review status: criteria provided, single submitter. Criteria: Invitae Variant Classification Sherloc (09022015). Collection method: clinical testing. Allele origin: germline.
Comment: This sequence change replaces histidine, which is basic and polar, with arginine, which is basic and polar, at codon 1047 of the DMXL2 protein (p.His1047Arg). This variant is not present in population databases (gnomAD no frequency). This variant has not been reported in the literature in individuals affected with DMXL2-related conditions. Algorithms developed to predict the effect of missense changes on protein structure and function (SIFT, PolyPhen-2, Align-GVGD) all suggest that this variant is likely to be tolerated. In summary, the available evidence is currently insufficient to determine the role of this variant in disease. Therefore, it has been classified as a Variant of Uncertain Significance.